The following is an entry in ClinVar:

NM_018979.4(WNK1):c.338A>G (p.Gln113Arg)

Gene: WNK1 (WNK lysine deficient protein kinase 1; plus strand). Cytogenetic location: 12p13.33.
Variant type: single nucleotide variant.
Coding change: c.338A>G on transcript NM_018979.4 (MANE Select); coding-DNA position 338, A replaced by G.
Protein change: p.Gln113Arg; replaces glutamine 113 with arginine.
Molecular consequence: missense variant.
Genome position (GRCh38, 1-based): chr12:753,903, A>G. VCF-style: chr12-753903-A-G. GRCh37 (hg19) VCF-style: chr12-863069-A-G.
Other names: c.338A>G, p.Gln113Arg (NM_001184985.2, NM_014823.3, NM_213655.5); short protein forms Q113R.
Identifiers: ClinVar variation 1730878 (VCV001730878.2), dbSNP rs1244121682, ClinGen allele CA383304912.
Genomic context (GRCh38, chr12:753,903, plus strand): 5'-TGGAGCTTCCCGGCCTTCCTCTTTCCCTGCCCCAGCCCAGCATCCCCGCGGCTGTCCCGC[A>G]GAGTGCTCCACCGGAGCCCCACCGGGAAGAGACCGTGACCGCCACCGCCACTTCCCAGGT-3'
Protein context (NP_061852.3, residues 103-123): PQPSIPAAVP[Gln113Arg]SAPPEPHREE

ClinVar aggregate classification (germline): Uncertain significance (1 of 4 stars; one submission).

Conditions:
Inborn genetic diseases. Identifiers: MedGen C0950123, MeSH D030342.

Allele frequency attached by ClinVar (database versions not stated): TOPMed 0.00001.
gnomAD v4.1: 1 of 1,610,988 alleles (0.000062%); highest among the groups gnomAD compares: South Asian, 0.0011%; no homozygotes.

Submission:

Ambry Genetics
Classification: Uncertain significance for Inborn genetic diseases. Last evaluated: 2020-08-12. Review status: criteria provided, single submitter. Criteria: Ambry Variant Classification Scheme 2023. Collection method: clinical testing. Allele origin: germline.
Comment: The p.Q113R variant (also known as c.338A>G), located in coding exon 1 of the WNK1 gene, results from an A to G substitution at nucleotide position 338. The glutamine at codon 113 is replaced by arginine, an amino acid with highly similar properties. This amino acid position is not well conserved in available vertebrate species. In addition, this alteration is predicted to be tolerated by in silico analysis. Since supporting evidence is limited at this time, the clinical significance of this alteration remains unclear.